The following is an entry in ClinVar:

ClinVar aggregate classification (germline): Uncertain significance (1 of 4 stars; one submission).

Submission:

GeneDx
Classification: Uncertain significance. Last evaluated: 2024-03-25. Review status: criteria provided, single submitter. Criteria: GeneDx Variant Classification Process June 2021. Collection method: clinical testing. Allele origin: germline. Affected: yes.
Comment: Not observed at significant frequency in large population cohorts (gnomAD); In silico analysis supports that this missense variant has a deleterious effect on protein structure/function; Has not been previously published as pathogenic or benign to our knowledge

NM_000142.5(FGFR3):c.2195A>T (p.His732Leu)

Gene: FGFR3 (fibroblast growth factor receptor 3; plus strand). Cytogenetic location: 4p16.3.
Variant type: single nucleotide variant.
Coding change: c.2195A>T on transcript NM_000142.5 (MANE Select); coding-DNA position 2195, A replaced by T.
Protein change: p.His732Leu; replaces histidine 732 with leucine.
Molecular consequence: missense variant. On other transcripts: synonymous variant (1), non-coding transcript variant (1).
Genome position (GRCh38, 1-based): chr4:1,806,855, A>T. VCF-style: chr4-1806855-A-T. GRCh37 (hg19) VCF-style: chr4-1808582-A-T.
Other names: c.2201A>T, p.His734Leu (NM_001163213.2); c.2198A>T, p.His733Leu (NM_001354809.2); c.2127A>T, p.Ala709= (NM_001354810.2); c.1859A>T, p.His620Leu (NM_022965.4); short protein forms H620L, H732L, H733L, H734L.
Identifiers: ClinVar variation 3371231 (VCV003371231.1).
Genomic context (GRCh38, chr4:1,806,855, plus strand): 5'-CGGCGGGGCTCACTCCTGAGCGCCCTGCCCGCAGGTACATGATCATGCGGGAGTGCTGGC[A>T]TGCCGCGCCCTCCCAGAGGCCCACCTTCAAGCAGCTGGTGGAGGACCTGGACCGTGTCCT-3'
Protein context (NP_000133.1, residues 722-742): DLYMIMRECW[His732Leu]AAPSQRPTFK